The following is an entry in ClinVar:

ClinVar aggregate classification (germline): Conflicting classifications of pathogenicity. Review status: criteria provided, conflicting classifications (1 of 4 stars). 2 submissions from 2 submitters: Uncertain significance (1); Likely benign (1). Last evaluated 2025-11-22.

Conditions:
Treacher Collins syndrome 1 (TCS1). Also called: TCOF1-Related Treacher Collins Syndrome. Identifiers: Orphanet 861, MedGen CN315775, MONDO:0007944, OMIM 154500.

Allele frequency attached by ClinVar (database versions not stated): gnomAD 0.00001; ExAC 0.00003; gnomAD exomes 0.00003; TOPMed 0.00004.
gnomAD v4.1: 47 of 1,613,952 alleles (0.0029%); highest among the groups gnomAD compares: Middle Eastern, 0.033%; no homozygotes.

Submissions (2):

Labcorp Genetics (formerly Invitae), Labcorp
Classification: Uncertain significance for Treacher Collins syndrome 1. Last evaluated: 2025-11-22. Review status: criteria provided, single submitter. Criteria: Invitae Variant Classification Sherloc (09022015). Collection method: clinical testing. Allele origin: germline.
Comment: This sequence change replaces threonine, which is neutral and polar, with methionine, which is neutral and non-polar, at codon 147 of the TCOF1 protein (p.Thr147Met). This variant is present in population databases (rs553792496, gnomAD 0.006%). This variant has not been reported in the literature in individuals affected with TCOF1-related conditions. ClinVar contains an entry for this variant (Variation ID: 2983814). Invitae Evidence Modeling of protein sequence and biophysical properties (such as structural, functional, and spatial information, amino acid conservation, physicochemical variation, residue mobility, and thermodynamic stability) indicates that this missense variant is not expected to disrupt TCOF1 protein function with a negative predictive value of 80%. In summary, the available evidence is currently insufficient to determine the role of this variant in disease. Therefore, it has been classified as a Variant of Uncertain Significance.

Blueprint Genetics
Classification: Likely benign. Last evaluated: 2024-02-16. Review status: criteria provided, single submitter. Criteria: ACMG Guidelines, 2015. Collection method: clinical testing. Allele origin: germline.

NM_001371623.1(TCOF1):c.440C>T (p.Thr147Met)

Gene: TCOF1 (treacle ribosome biogenesis factor 1; plus strand). Cytogenetic location: 5q32.
Variant type: single nucleotide variant.
Coding change: c.440C>T on transcript NM_001371623.1 (MANE Select); coding-DNA position 440, C replaced by T.
Protein change: p.Thr147Met; replaces threonine 147 with methionine.
Molecular consequence: missense variant.
Genome position (GRCh38, 1-based): chr5:150,368,777, C>T. VCF-style: chr5-150368777-C-T. GRCh37 (hg19) VCF-style: chr5-149748340-C-T.
Other names: c.440C>T, p.Thr147Met (NM_000356.4, NM_001008657.3, NM_001135243.2 and 3 more transcripts); short protein forms T147M.
Identifiers: ClinVar variation 2983814 (VCV002983814.4), dbSNP rs553792496, ClinGen allele CA3510565.
Genomic context (GRCh38, chr5:150,368,777, plus strand): 5'-CAGAGACAGAGAAAGCTGGCAAGACTGGGAATTCCATGCCACACCCTGCCACTGGGAAGA[C>T]GGTGGCCAACCTTCTTTCTGGGAAGTCTCCCAGGAAGTCAGCAGAGCCCTCAGCAAATAC-3'
Protein context (NP_001358552.1, residues 137-157): NSMPHPATGK[Thr147Met]VANLLSGKSP